The following is an entry in ClinVar:

ClinVar aggregate classification (germline): Uncertain significance. Review status: criteria provided, multiple submitters, no conflicts (2 of 4 stars). 2 submissions from 2 submitters: Uncertain significance (2). Last evaluated 2024-04-12.

Conditions:
Acute febrile neutrophilic dermatosis (AFND). Also called: Sweet Syndrome; Gomm Button disease. Identifiers: Orphanet 3243, MedGen C0085077, MONDO:0011959, OMIM 608068.
Familial Mediterranean fever (FMF). Also called: POLYSEROSITIS, FAMILIAL PAROXYSMAL; POLYSEROSITIS, RECURRENT; Periodic peritonitis; Benign paroxysmal peritonitis. Identifiers: Orphanet 342, MedGen C0031069, MONDO:0018088, OMIM 249100. Disease mechanism: gain of function.
Familial Mediterranean fever, autosomal dominant. Also called: Dominant Familial Mediterranean Fever; FMF, AUTOSOMAL DOMINANT. Identifiers: Orphanet 342, MedGen C1851347, MONDO:0007601, OMIM 134610.

Submissions (2):

Fulgent Genetics
Classification: Uncertain significance for Familial Mediterranean fever, autosomal dominant; Familial Mediterranean fever; Acute febrile neutrophilic dermatosis. Last evaluated: 2024-04-12. Review status: criteria provided, single submitter. Criteria: ACMG Guidelines, 2015. Collection method: clinical testing. Allele origin: germline.

Labcorp Genetics (formerly Invitae), Labcorp
Classification: Uncertain significance for Familial Mediterranean fever. Last evaluated: 2020-06-01. Review status: criteria provided, single submitter. Criteria: Invitae Variant Classification Sherloc (09022015). Collection method: clinical testing. Allele origin: germline.
Comment: In summary, the available evidence is currently insufficient to determine the role of this variant in disease. Therefore, it has been classified as a Variant of Uncertain Significance. Algorithms developed to predict the effect of missense changes on protein structure and function (SIFT, PolyPhen-2, Align-GVGD) all suggest that this variant is likely to be tolerated, but these predictions have not been confirmed by published functional studies and their clinical significance is uncertain. This variant has not been reported in the literature in individuals with MEFV-related conditions. This variant is not present in population databases (ExAC no frequency). This sequence change replaces glutamine with histidine at codon 343 of the MEFV protein (p.Gln343His). The glutamine residue is weakly conserved and there is a small physicochemical difference between glutamine and histidine.

NM_000243.3(MEFV):c.1029G>T (p.Gln343His)

Gene: MEFV (MEFV innate immunity regulator, pyrin; minus strand). Cytogenetic location: 16p13.3.
Variant type: single nucleotide variant.
Coding change: c.1029G>T on transcript NM_000243.3 (MANE Select); coding-DNA position 1029, G replaced by T.
Protein change: p.Gln343His; replaces glutamine 343 with histidine.
Molecular consequence: missense variant.
Genome position (GRCh38, 1-based): chr16:3,249,662, C>A on the plus strand (G>T on the coding strand, the complement: MEFV is on the minus strand). VCF-style: chr16-3249662-C-A. GRCh37 (hg19) VCF-style: chr16-3299662-C-A.
Other names: c.396G>T, p.Gln132His (NM_001198536.2); short protein forms Q132H, Q343H.
Identifiers: ClinVar variation 1004030 (VCV001004030.9), dbSNP rs1959001872, ClinGen allele CA394470948.